The following is an entry in ClinVar:

NM_000059.4(BRCA2):c.5225_5230del (p.Asn1742_Ser1743del)

Gene: BRCA2 (BRCA2 DNA repair associated; plus strand). Cytogenetic location: 13q13.1.
Variant type: Deletion.
Coding change: c.5225_5230del on transcript NM_000059.4 (MANE Select); coding-DNA positions 5225 to 5230, 6 bases deleted (ACAGTA; older notation c.5225_5230delACAGTA).
Protein change: p.Asn1742_Ser1743del.
Molecular consequence: inframe deletion.
Genome position (GRCh38, 1-based): chr13:32,339,580-32,339,585, ACAGTA deleted; deleting any 6 consecutive bases within chr13:32,339,576-32,339,585 gives the same sequence; the c. name uses the placement nearest the transcript's 3' end. VCF-style (leftmost placement, unchanged base first): chr13-32339575-AAGTAAC-A. GRCh37 (hg19) VCF-style: chr13-32913712-AAGTAAC-A.
Other names: 1742delNS; c.5224_5229delAACAGT (NM_000059.3).
Identifiers: ClinVar variation 51826 (VCV000051826.18), dbSNP rs276174855, ClinGen allele CA021779.

ClinVar aggregate classification (germline): Conflicting classifications of pathogenicity. Review status: criteria provided, conflicting classifications (1 of 4 stars). 6 submissions from 6 submitters: Pathogenic (1); Uncertain significance (3); Likely benign (1). 1 of the submissions does not count toward it. Last evaluated 2025-07-03.

Conditions:
Hereditary cancer-predisposing syndrome. Also called: Neoplastic Syndromes, Hereditary; Tumor predisposition; Hereditary neoplastic syndrome; Hereditary Cancer Syndrome. Identifiers: Orphanet 140162, MedGen C0027672, MeSH D009386, MONDO:0015356.
Hereditary breast ovarian cancer syndrome. Also called: Hereditary breast and ovarian cancer syndrome; Hereditary breast and ovarian cancer; Hereditary breast and ovarian cancer syndrome (HBOC); Breast and ovarian cancer; Hereditary breast and/or ovarian cancer syndrome; BRCA1- and BRCA2-Associated Hereditary Breast and Ovarian Cancer. Identifiers: Orphanet 145, MedGen C0677776, MeSH D061325, MONDO:0003582. Disease mechanism: loss of function.
Breast-ovarian cancer, familial, susceptibility to, 2 (BROVCA2). Also called: BRCA2 Hereditary Breast and Ovarian Cancer. Identifiers: Orphanet 145, MedGen C2675520, MONDO:0012933, OMIM 612555. Disease mechanism: loss of function.
Familial cancer of breast. Also called: BREAST CANCER, FAMILIAL; Hereditary breast cancer; hereditary breast carcinoma. Identifiers: Orphanet 227535, MedGen C0346153, MONDO:0016419, OMIM 114480. Disease mechanism: loss of function.

Submissions (6):

Dipartimento Di Medicina Di Precisione, Università Degli Studi Della Campania Luigi Vanvitelli
Classification: Pathogenic for Breast-ovarian cancer, familial, susceptibility to, 2. Last evaluated: 2025-07-03. Review status: criteria provided, single submitter. Criteria: ACMG Guidelines, 2015. Collection method: clinical testing. Allele origin: germline. Inheritance: Autosomal dominant inheritance. Affected: yes. Observed: 1 heterozygote.
Comment: In-frame deletion of two consecutive amino acids (Asn1742 and Ser1743) within the functional domain of the BRCA2 gene. This variant has been identified in patients with suspected hereditary predisposition to breast and ovarian cancer.

Baylor Genetics
Classification: Uncertain significance for Familial cancer of breast. Last evaluated: 2024-03-29. Review status: criteria provided, single submitter. Criteria: ACMG Guidelines, 2015. Collection method: clinical testing. Allele origin: unknown.

Labcorp Genetics (formerly Invitae), Labcorp
Classification: Uncertain significance for Hereditary breast ovarian cancer syndrome. Last evaluated: 2024-02-09. Review status: criteria provided, single submitter. Criteria: Invitae Variant Classification Sherloc (09022015). Collection method: clinical testing. Allele origin: germline.
Comment: This variant, c.5225_5230del, results in the deletion of 2 amino acid(s) of the BRCA2 protein (p.Asn1742_Ser1743del), but otherwise preserves the integrity of the reading frame. This variant is not present in population databases (gnomAD no frequency). This variant has been observed in individual(s) with breast cancer, endometrial cancer, and/or ovarian cancer (PMID: 23096105, 30374176, 32438681, 33484353). It has also been observed to segregate with disease in related individuals. This variant is also known as NS1742del. ClinVar contains an entry for this variant (Variation ID: 51826). Experimental studies and prediction algorithms are not available or were not evaluated, and the functional significance of this variant is currently unknown. In summary, the available evidence is currently insufficient to determine the role of this variant in disease. Therefore, it has been classified as a Variant of Uncertain Significance.

Ambry Genetics
Classification: Uncertain significance for Hereditary cancer-predisposing syndrome. Last evaluated: 2021-06-08. Review status: criteria provided, single submitter. Criteria: Ambry Variant Classification Scheme 2023. Collection method: clinical testing. Allele origin: germline.
Comment: The c.5225_5230delACAGTA variant (also known as p.N1742_S1743del) is located in coding exon 10 of the BRCA2 gene. This variant results from an in-frame ACAGTA deletion at nucleotide positions 5225 to 5230. This results in the in-frame deletion of an asparganine and a serine at codons 1742 and 1743. This alteration has been identified in Italian individuals with breast and/or ovarian families (Vietri MT et al. Clin. Chem. Lab. Med., 2012 Dec;50:2171-80; Santonocito C et al. Cancers (Basel), 2020 May;12). These amino acid positions are not well conserved in available vertebrate species. However, this alteration is predicted to be deleterious by in silico analysis (Choi Y et al. PLoS ONE. 2012; 7(10):e46688). Since supporting evidence is limited at this time, the clinical significance of this alteration remains unclear.

University of Washington Department of Laboratory Medicine, University of Washington
Classification: Likely benign for Hereditary breast and ovarian cancer syndrome. Last evaluated: 2018-05-29. Review status: criteria provided, single submitter. Criteria: Tsai GJ et al. (Genet Med 2018). Collection method: research. Allele origin: germline. Inheritance: Autosomal dominant inheritance. Affected: yes.
Comment: The BRCA2 variant designated as NM_000059.3: c.5225_5230del (p.Asn1742_Ser1743del) is classified as likely benign. This variant is not listed in population databases. Computer software programs predict that this variant is likely to be benign. This variant is found in exon 11, in a domain where non-truncating mutations are usually benign. Cosegregation analysis of one observed family was performed using an online resource (RaÃ±ola et al, 2018, PMID:28965303) resulting in a likelihood ratio of 0.22 to 1, providing additional evidence that the allele is likely to be benign (Thompson, et al., 2003, PMID:2900794). Bayesian analysis integrating all of this data (Tavtigian et al, 2018, PMID:29300386) gives about 3% probability of pathogenicity, which is consistent with a classification of likely benign. This variant is not predicted to alter BRCA2 function or modify cancer risk. This analysis was performed in conjunction with the family studies project as part of the University of Washington Find My Variant Study.

Breast Cancer Information Core (BIC) (BRCA2)
Classification: Uncertain significance for Breast-ovarian cancer, familial 2. Last evaluated: 2010-10-12. Review status: no assertion criteria provided. Collection method: clinical testing. Allele origin: germline. Affected: yes. Observed: 1 variant allele. Not counted in ClinVar's aggregate classification.

Literature cited by the submitters: DOI 10.1515/cclm-2012-0154 (cited by Dipartimento Di Medicina Di Precisione, Università Degli Studi Della Campania Luigi Vanvitelli); PubMed 23096105 (cited by Labcorp Genetics (formerly Invitae), Labcorp and Ambry Genetics); PubMed 30374176 (cited by Labcorp Genetics (formerly Invitae), Labcorp); PubMed 32438681 (cited by Labcorp Genetics (formerly Invitae), Labcorp and Ambry Genetics); PubMed 33484353 (cited by Labcorp Genetics (formerly Invitae), Labcorp).